The following is an entry in ClinVar:

NM_152309.3(PIK3AP1):c.2242-3T>C

Gene: PIK3AP1 (phosphoinositide-3-kinase adaptor protein 1; minus strand). Cytogenetic location: 10q24.1.
Variant type: single nucleotide variant.
Coding change: c.2242-3T>C on transcript NM_152309.3 (MANE Select); 3 bases into the intron before coding-DNA position 2242, T replaced by C.
Molecular consequence: intron variant.
Genome position (GRCh38, 1-based): chr10:96,602,401, A>G on the plus strand (T>C on the coding strand, the complement: PIK3AP1 is on the minus strand). VCF-style: chr10-96602401-A-G. GRCh37 (hg19) VCF-style: chr10-98362158-A-G.
Identifiers: ClinVar variation 844080 (VCV000844080.9), dbSNP rs374054197, ClinGen allele CA5626007.

ClinVar aggregate classification (germline): Uncertain significance (1 of 4 stars; one submission).

Conditions:
Infantile spasms. Also called: Infantile spasm. Identifiers: MedGen C3887898, HP:0012469.

Allele frequency attached by ClinVar (database versions not stated): gnomAD exomes 0.00001; ExAC 0.00002; TOPMed 0.00006; gnomAD 0.00007.
gnomAD v4.1: 25 of 1,607,324 alleles (0.0016%); highest among the groups gnomAD compares: African/African-American, 0.029%; no homozygotes.

Submission:

Labcorp Genetics (formerly Invitae), Labcorp
Classification: Uncertain significance for Infantile spasms. Last evaluated: 2024-12-09. Review status: criteria provided, single submitter. Criteria: Invitae Variant Classification Sherloc (09022015). Collection method: clinical testing. Allele origin: germline.
Comment: This sequence change falls in intron 15 of the PIK3AP1 gene. It does not directly change the encoded amino acid sequence of the PIK3AP1 protein. It affects a nucleotide within the consensus splice site. This variant is present in population databases (rs374054197, gnomAD 0.01%). This variant has not been reported in the literature in individuals affected with PIK3AP1-related conditions. ClinVar contains an entry for this variant (Variation ID: 844080). Variants that disrupt the consensus splice site are a relatively common cause of aberrant splicing (PMID: 17576681, 9536098). Algorithms developed to predict the effect of sequence changes on RNA splicing suggest that this variant is not likely to affect RNA splicing. In summary, the available evidence is currently insufficient to determine the role of this variant in disease. Therefore, it has been classified as a Variant of Uncertain Significance.

Literature cited by the submitters: PubMed 17576681; PubMed 9536098.